The following is an entry in ClinVar:

ClinVar aggregate classification (germline): Pathogenic (1 of 4 stars; one submission).

Conditions:
Alstrom syndrome (ALMS). Identifiers: Orphanet 64, MedGen C0268425, MONDO:0008763, OMIM 203800.

Submission:

Labcorp Genetics (formerly Invitae), Labcorp
Classification: Pathogenic for Alstrom syndrome. Last evaluated: 2018-07-16. Review status: criteria provided, single submitter. Criteria: Invitae Variant Classification Sherloc (09022015). Collection method: clinical testing. Allele origin: germline.
Comment: This variant has not been reported in the literature in individuals with ALMS1-related disease. For these reasons, this variant has been classified as Pathogenic. Loss-of-function variants in ALMS1 are known to be pathogenic (PMID: 17594715). This variant is not present in population databases (ExAC no frequency). This sequence change creates a premature translational stop signal (p.Gln3141Argfs*10) in the ALMS1 gene. It is expected to result in an absent or disrupted protein product.

Literature cited by the submitters: PubMed 17594715.

NM_001378454.1(ALMS1):c.9419_9420del (p.Gln3140fs)

Gene: ALMS1 (ALMS1 centrosome and basal body associated protein; plus strand). Cytogenetic location: 2p13.1.
Variant type: Deletion.
Coding change: c.9419_9420del on transcript NM_001378454.1 (MANE Select); coding-DNA positions 9419 to 9420, 2 bases deleted (AG; older notation c.9419_9420delAG).
Protein change: p.Gln3140fs; shifts the reading frame from glutamine 3140.
Molecular consequence: frameshift variant.
Genome position (GRCh38, 1-based): chr2:73,491,378-73,491,379, AG deleted. VCF-style (leftmost placement, unchanged base first): chr2-73491377-CAG-C. GRCh37 (hg19) VCF-style: chr2-73718504-CAG-C.
Other names: c.9422_9423delAG (NM_015120.4); c.9422_9423del, p.Gln3141fs (NM_015120.4); short protein forms Q3141fs, Q3140fs.
Identifiers: ClinVar variation 566263 (VCV000566263.7), dbSNP rs1558667882, ClinGen allele CA891843453.